The following is an entry in ClinVar:

NM_017654.4(SAMD9):c.4385A>G (p.Asn1462Ser)

Gene: SAMD9 (sterile alpha motif domain containing 9; minus strand). Cytogenetic location: 7q21.2.
Variant type: single nucleotide variant.
Coding change: c.4385A>G on transcript NM_017654.4 (MANE Select); coding-DNA position 4385, A replaced by G.
Protein change: p.Asn1462Ser; replaces asparagine 1462 with serine.
Molecular consequence: missense variant.
Genome position (GRCh38, 1-based): chr7:93,101,713, T>C on the plus strand (A>G on the coding strand, the complement: SAMD9 is on the minus strand). VCF-style: chr7-93101713-T-C. GRCh37 (hg19) VCF-style: chr7-92731026-T-C.
Other names: c.4385A>G, p.Asn1462Ser (NM_001193307.2); short protein forms N1462S.
Identifiers: ClinVar variation 3792120 (VCV003792120.1).

ClinVar aggregate classification (germline): Uncertain significance (1 of 4 stars; one submission).

Conditions:
Inborn genetic diseases. Identifiers: MedGen C0950123, MeSH D030342.

gnomAD v4.1: 4 of 1,613,760 alleles (0.00025%); highest among the groups gnomAD compares: Non-Finnish European, 0.00034%; no homozygotes.

Submission:

Ambry Genetics
Classification: Uncertain significance for Inborn genetic diseases. Last evaluated: 2025-02-22. Review status: criteria provided, single submitter. Criteria: Ambry Variant Classification Scheme 2023. Collection method: clinical testing. Allele origin: germline.
Comment: The p.N1462S variant (also known as c.4385A>G), located in coding exon 1 of the SAMD9 gene, results from an A to G substitution at nucleotide position 4385. The asparagine at codon 1462 is replaced by serine, an amino acid with highly similar properties. This amino acid position is conserved. In addition, this alteration is predicted to be tolerated by in silico analysis. Based on the available evidence, the clinical significance of this variant remains unclear.